The following is an entry in ClinVar:

NM_021930.6(RINT1):c.2339T>G (p.Leu780Arg)

Genes: EFCAB10 (EF-hand calcium binding domain 10; minus strand), RINT1 (RAD50 interactor 1; plus strand). Cytogenetic location: 7q22.3.
Variant type: single nucleotide variant.
Coding change: c.2339T>G on transcript NM_021930.6 (MANE Select); coding-DNA position 2339, T replaced by G.
Protein change: p.Leu780Arg; replaces leucine 780 with arginine.
Molecular consequence: missense variant. On other transcripts: 3 prime UTR variant (2), non-coding transcript variant (1), intron variant (3).
Genome position (GRCh38, 1-based): chr7:105,567,271, T>G. VCF-style: chr7-105567271-T-G. GRCh37 (hg19) VCF-style: chr7-105207718-T-G.
Other names: c.*183A>C (NM_001355527.2, NM_001355529.2); c.2105T>G, p.Leu702Arg (NM_001346599.2); c.1316T>G, p.Leu439Arg (NM_001346600.2, NM_001346603.2); c.1415T>G, p.Leu472Arg (NM_001346601.2); c.360-1824A>C (NM_001355531.2); c.383+196A>C (NM_001355526.2, NM_001355530.2); short protein forms L702R, L472R, L780R, L439R.
Identifiers: ClinVar variation 3314489 (VCV003314489.1).
Genomic context (GRCh38, chr7:105,567,271, plus strand): 5'-CCACAGCAGCATTAAATGAAGTTGGAATTTACAAACTGGCTCAACAAGATGTTGAGATTC[T>G]ACTTAATTTGAGGACAAATTGGCCTAATACTGGAAAATAATGTCTTTCAGAAAAAGGTTT-3'
Protein context (NP_068749.3, residues 770-790): YKLAQQDVEI[Leu780Arg]LNLRTNWPNT

ClinVar aggregate classification (germline): Uncertain significance (1 of 4 stars; one submission).

Submission:

Ambry Genetics
Classification: Uncertain significance. Last evaluated: 2024-06-23. Review status: criteria provided, single submitter. Criteria: Ambry Variant Classification Scheme 2023. Collection method: clinical testing. Allele origin: germline.
Comment: The p.L780R variant (also known as c.2339T>G), located in coding exon 15 of the RINT1 gene, results from a T to G substitution at nucleotide position 2339. The leucine at codon 780 is replaced by arginine, an amino acid with dissimilar properties. This amino acid position is conserved. In addition, this alteration is predicted to be deleterious by in silico analysis. Based on the available evidence, the clinical significance of this variant remains unclear.